The following is an entry in ClinVar:

ClinVar aggregate classification (germline): Uncertain significance (0 of 4 stars; one submission).

Conditions:
Ciliary dyskinesia, primary, 40. Also called: CILIARY DYSKINESIA, PRIMARY, 40, WITH OR WITHOUT SITUS INVERSUS. Identifiers: MedGen C4749028, MONDO:0032664, OMIM 618300.

Allele frequency attached by ClinVar (database versions not stated): ExAC 0.00002; gnomAD exomes 0.00002 and 0.00010; TOPMed 0.00002; gnomAD 0.00003; ESP Exome Variant Server 0.00008.
gnomAD v4.1: 144 of 1,613,986 alleles (0.0089%); highest among the groups gnomAD compares: Non-Finnish European, 0.012%; no homozygotes.

Submission:

Department of Pathology and Laboratory Medicine, Sinai Health System
Classification: Uncertain significance for Ciliary dyskinesia, primary, 40. Review status: no assertion criteria provided. Collection method: clinical testing. Allele origin: unknown. Affected: yes. Study: The Canadian Open Genetics Repository (COGR).
Comment: The DNAH9 p.R2173Q variant was not identified in the literature nor was it identified in ClinVar. The variant was identified in dbSNP (ID: rs372109014) and in control databases in 5 of 251394 chromosomes at a frequency of 0.00001989, where it was observed in the European (non-Finnish) population in 5 of 113688 chromosomes (freq: 0.00004398) (Genome Aggregation Database March 6, 2019, v2.1.1). Â¬â€ The p.R2173 residue is not conserved in mammals and computational analyses (MUT Assesor, PolyPhen-2, SIFT, MutationTaster, Revel, FATHMM, MetaLR, DANN) do not suggest a high likelihood of impact to the protein; this information is not very predictive of pathogenicity. The variant occurs outside of the splicing consensus sequence and in silico or computational prediction software programs (Splice AI exome) do not predict a difference in splicing. In summary, based on the above information the clinical significance of this variant cannot be determined with certainty at this time. This variant is classified as a variant of uncertain significance.

NM_001372.4(DNAH9):c.6518G>A (p.Arg2173Gln)

Gene: DNAH9 (dynein axonemal heavy chain 9; plus strand). Cytogenetic location: 17p12.
Variant type: single nucleotide variant.
Coding change: c.6518G>A on transcript NM_001372.4 (MANE Select); coding-DNA position 6518, G replaced by A.
Protein change: p.Arg2173Gln; replaces arginine 2173 with glutamine.
Molecular consequence: missense variant.
Genome position (GRCh38, 1-based): chr17:11,747,674, G>A. VCF-style: chr17-11747674-G-A. GRCh37 (hg19) VCF-style: chr17-11650991-G-A.
Other names: short protein forms R2173Q.
Identifiers: ClinVar variation 1050395 (VCV001050395.1), dbSNP rs372109014, ClinGen allele CA8396334.